The following is an entry in ClinVar:

NM_170682.4(P2RX2):c.1109dup (p.Asn370fs)

Gene: P2RX2 (purinergic receptor P2X 2; plus strand). Cytogenetic location: 12q24.33.
Variant type: Duplication.
Coding change: c.1109dup on transcript NM_170682.4 (MANE Select); coding-DNA position 1109, one base duplicated (A; older notation c.1109dupA).
Protein change: p.Asn370fs; shifts the reading frame from asparagine 370.
Molecular consequence: frameshift variant. On other transcripts: 3 prime UTR variant (1).
Genome position (GRCh38, 1-based): chr12:132,621,665, A duplicated; the last of 5 consecutive A bases (chr12:132,621,661-132,621,665); duplicating any one gives the same sequence. VCF-style (leftmost placement, unchanged base first): chr12-132621660-C-CA. GRCh37 (hg19) VCF-style: chr12-133198246-C-CA.
Other names: c.1007dup, p.Asn336fs (NM_001282164.2); c.*156dup (NM_001282165.2); c.893dup, p.Asn298fs (NM_012226.5); c.1037dup, p.Asn346fs (NM_016318.4); c.1187dup, p.Asn396fs (NM_170683.4); c.833dup, p.Asn278fs (NM_174872.3); c.1109dup, p.Asn370fs (NM_174873.3); short protein forms N278fs, N298fs, N336fs, N346fs, N370fs, N396fs.
Identifiers: ClinVar variation 1303576 (VCV001303576.3), dbSNP rs749401595, ClinGen allele CA6891832.

ClinVar aggregate classification (germline): Uncertain significance. Review status: criteria provided, multiple submitters, no conflicts (2 of 4 stars). 2 submissions from 2 submitters: Uncertain significance (2). Last evaluated 2024-07-05.

Submissions (2):

Blueprint Genetics
Classification: Uncertain significance. Last evaluated: 2024-07-05. Review status: criteria provided, single submitter. Criteria: ACMG Guidelines, 2015. Collection method: clinical testing. Allele origin: germline.

GeneDx
Classification: Uncertain significance. Last evaluated: 2019-08-16. Review status: criteria provided, single submitter. Criteria: GeneDx Variant Classification Process June 2021. Collection method: clinical testing. Allele origin: germline. Affected: yes.
Comment: Not observed in large population cohorts (Lek et al., 2016); Frameshift variant predicted to result in protein truncation in a gene for which loss-of-function is not a known mechanism of disease; Has not been previously published as pathogenic or benign to our knowledge